The following is an entry in ClinVar:

NM_020297.4(ABCC9):c.3772-4A>C

Genes: ABCC9 (ATP binding cassette subfamily C member 9; minus strand), KCNJ8-AS1 (KCNJ8 antisense RNA 1; plus strand). Cytogenetic location: 12p12.1.
Variant type: single nucleotide variant.
Coding change: c.3772-4A>C on transcript NM_020297.4 (MANE Select); 4 bases into the intron before coding-DNA position 3772, A replaced by C.
Molecular consequence: intron variant.
Genome position (GRCh38, 1-based): chr12:21,817,311, T>G on the plus strand (A>C on the coding strand, the complement: ABCC9 is on the minus strand). VCF-style: chr12-21817311-T-G. GRCh37 (hg19) VCF-style: chr12-21970245-T-G.
Other names: c.2905-4A>C (NM_001377274.1); c.3772-4A>C (NM_005691.4, NM_001377273.1).
Identifiers: ClinVar variation 464666 (VCV000464666.8), dbSNP rs1555179333, ClinGen allele CA658658124.
Genomic context (GRCh38, chr12:21,817,311, plus strand): 5'-CATCTGGACCTCCAGGTCAGCCAAGTTCCTCACAACCCAATTCAAATAATTGGTTATCTG[T>G]GTCAGGTGATTAAAAAAATTGTTTTAAATAAATTAAAGTAAGAAGTTGTGGTTAATCACC-3'

ClinVar aggregate classification (germline): Uncertain significance (1 of 4 stars; one submission).

Conditions:
Dilated cardiomyopathy 1O (CMD1O). Also called: CARDIOMYOPATHY, DILATED, WITH VENTRICULAR TACHYCARDIA. Identifiers: Orphanet 154, MedGen C1837839, MONDO:0012062, OMIM 608569.

Submission:

Labcorp Genetics (formerly Invitae), Labcorp
Classification: Uncertain significance for Dilated cardiomyopathy 1O. Last evaluated: 2017-07-10. Review status: criteria provided, single submitter. Criteria: Invitae Variant Classification Sherloc (09022015). Collection method: clinical testing. Allele origin: germline.
Comment: In summary, the available evidence is currently insufficient to determine the role of this variant in disease. Therefore, it has been classified as a Variant of Uncertain Significance. Algorithms developed to predict the effect of sequence changes on RNA splicing suggest that this variant may disrupt the consensus splice site, but this prediction has not been confirmed by published transcriptional studies. This variant has not been reported in the literature in individuals with ABCC9-related disease. This variant is not present in population databases (ExAC no frequency). This sequence change falls in intron 30 of the ABCC9 gene. It does not directly change the encoded amino acid sequence of the ABCC9 protein.